The following is an entry in ClinVar:

ClinVar aggregate classification (germline): Likely benign (1 of 4 stars; one submission).

Conditions:
Ehlers-Danlos syndrome, type 4 (EDSVASC). Also called: Ehlers-Danlos Syndrome Type IV; Ehlers-Danlos syndrome vascular type; Ehlers Danlos syndrome, ecchymotic type; Ehlers Danlos syndrome, arterial type; Ehlers Danlos syndrome, Sack-Barabas type. Identifiers: Orphanet 286, MedGen C0268338, MONDO:0017314, OMIM 130050.

Submission:

All of Us Research Program, National Institutes of Health
Classification: Likely benign for Ehlers-Danlos syndrome, type 4. Last evaluated: 2023-05-16. Review status: criteria provided, single submitter. Criteria: ACMG Guidelines, 2015. Collection method: clinical testing. Allele origin: germline. Inheritance: Autosomal dominant inheritance. Observed: 1 variant allele, 1 heterozygote.
Comment: This study involves interpretation of variants in research participants for the purpose of population health screening. Participant phenotype was not available at the time of variant classification. Additional details can be found in publication PMID: 35346344, PMCID: PMC8962531

NM_000090.4(COL3A1):c.2835C>T (p.Gly945=)

Gene: COL3A1 (collagen type III alpha 1 chain; plus strand). Cytogenetic location: 2q32.2.
Variant type: single nucleotide variant.
Coding change: c.2835C>T on transcript NM_000090.4 (MANE Select); coding-DNA position 2835, C replaced by T.
Protein change: p.Gly945=; no amino-acid change (glycine 945 retained).
Molecular consequence: synonymous variant.
Genome position (GRCh38, 1-based): chr2:189,004,268, C>T. VCF-style: chr2-189004268-C-T. GRCh37 (hg19) VCF-style: chr2-189868994-C-T.
Identifiers: ClinVar variation 3071025 (VCV003071025.1), dbSNP rs1293408059, ClinGen allele CA430312193.
Genomic context (GRCh38, chr2:189,004,268, plus strand): 5'-AAAAACACTGTCACATAAAGATGAGCTAAGTCTTCATTATCTGTATTAGGGAGCTCCAGG[C>T]CCACTTGGGATTGCTGGGATCACTGGAGCACGGGGTCTTGCAGGACCACCAGGCATGCCA-3'
Protein context (NP_000081.2, residues 935-955): PGAQGPPGAP[Gly945=]PLGIAGITGA